The following is an entry in ClinVar:

ClinVar aggregate classification (germline): Uncertain significance (1 of 4 stars; one submission).

Conditions:
TNF receptor-associated periodic fever syndrome (TRAPS) (FPF). Also called: FAMILIAL HIBERNIAN FEVER; TNF RECEPTOR-ASSOCIATED PERIODIC SYNDROME; TUMOR NECROSIS FACTOR RECEPTOR-ASSOCIATED PERIODIC SYNDROME; Autosomal Dominant Familial Periodic Fever; TNF Receptor-Associated Periodic Fever Syndrome; TNF receptor 1-associated periodic fever syndrome. Identifiers: Orphanet 32960, MedGen C1275126, MONDO:0007727, OMIM 142680.

Submission:

Labcorp Genetics (formerly Invitae), Labcorp
Classification: Uncertain significance for TNF receptor-associated periodic fever syndrome (TRAPS). Last evaluated: 2024-10-30. Review status: criteria provided, single submitter. Criteria: Invitae Variant Classification Sherloc (09022015). Collection method: clinical testing. Allele origin: germline.
Comment: This sequence change replaces glycine, which is neutral and non-polar, with arginine, which is basic and polar, at codon 393 of the TNFRSF1A protein (p.Gly393Arg). This variant is not present in population databases (gnomAD no frequency). This variant has not been reported in the literature in individuals affected with TNFRSF1A-related conditions. Invitae Evidence Modeling of protein sequence and biophysical properties (such as structural, functional, and spatial information, amino acid conservation, physicochemical variation, residue mobility, and thermodynamic stability) has been performed for this missense variant. However, the output from this modeling did not meet the statistical confidence thresholds required to predict the impact of this variant on TNFRSF1A protein function. In summary, the available evidence is currently insufficient to determine the role of this variant in disease. Therefore, it has been classified as a Variant of Uncertain Significance.

NM_001065.4(TNFRSF1A):c.1177G>A (p.Gly393Arg)

Gene: TNFRSF1A (TNF receptor superfamily member 1A; minus strand). Cytogenetic location: 12p13.31.
Variant type: single nucleotide variant.
Coding change: c.1177G>A on transcript NM_001065.4 (MANE Select); coding-DNA position 1177, G replaced by A.
Protein change: p.Gly393Arg; replaces glycine 393 with arginine.
Molecular consequence: missense variant. On other transcripts: non-coding transcript variant (1).
Genome position (GRCh38, 1-based): chr12:6,329,503, C>T on the plus strand (G>A on the coding strand, the complement: TNFRSF1A is on the minus strand). VCF-style: chr12-6329503-C-T. GRCh37 (hg19) VCF-style: chr12-6438669-C-T.
Other names: c.853G>A, p.Gly285Arg (NM_001346091.2); c.718G>A, p.Gly240Arg (NM_001346092.2); short protein forms G240R, G285R, G393R.
Identifiers: ClinVar variation 3610747 (VCV003610747.2).